The following is an entry in ClinVar:

ClinVar aggregate classification (germline): Conflicting classifications of pathogenicity. Review status: criteria provided, conflicting classifications (1 of 4 stars). 7 submissions from 7 submitters: Uncertain significance (6); Likely benign (1). Last evaluated 2025-09-18.

Conditions:
Familial adenomatous polyposis 1 (FAP1). Also called: FAMILIAL ADENOMATOUS POLYPOSIS 1, ATTENUATED; POLYPOSIS, ADENOMATOUS INTESTINAL. Identifiers: MedGen C2713442, MONDO:0021056, OMIM 175100. Disease mechanism: loss of function.
Hereditary cancer-predisposing syndrome. Also called: Tumor predisposition; Hereditary Cancer Syndrome; Hereditary neoplastic syndrome; Neoplastic Syndromes, Hereditary. Identifiers: Orphanet 140162, MedGen C0027672, MeSH D009386, MONDO:0015356.
Classic or attenuated familial adenomatous polyposis. Identifiers: MedGen CN372698, MONDO:0021057.

Allele frequency attached by ClinVar (database versions not stated): TOPMed 0.00001.
gnomAD v4.1: 2 of 1,612,200 alleles (0.00012%); highest among the groups gnomAD compares: Non-Finnish European, 0.000085%; no homozygotes.

Submissions (7):

Ambry Genetics
Classification: Likely benign for Hereditary cancer-predisposing syndrome. Last evaluated: 2025-09-18. Review status: criteria provided, single submitter. Criteria: Ambry Variant Classification Scheme 2023. Collection method: clinical testing. Allele origin: germline.

Labcorp Genetics (formerly Invitae), Labcorp
Classification: Uncertain significance for Familial adenomatous polyposis 1. Last evaluated: 2024-12-12. Review status: criteria provided, single submitter. Criteria: Invitae Variant Classification Sherloc (09022015). Collection method: clinical testing. Allele origin: germline.
Comment: This sequence change replaces proline, which is neutral and non-polar, with histidine, which is basic and polar, at codon 2158 of the APC protein (p.Pro2158His). This variant is not present in population databases (gnomAD no frequency). This variant has not been reported in the literature in individuals affected with APC-related conditions. ClinVar contains an entry for this variant (Variation ID: 411393). Invitae Evidence Modeling of protein sequence and biophysical properties (such as structural, functional, and spatial information, amino acid conservation, physicochemical variation, residue mobility, and thermodynamic stability) indicates that this missense variant is not expected to disrupt APC protein function with a negative predictive value of 95%. In summary, the available evidence is currently insufficient to determine the role of this variant in disease. Therefore, it has been classified as a Variant of Uncertain Significance.

GeneDx
Classification: Uncertain significance. Last evaluated: 2024-05-03. Review status: criteria provided, single submitter. Criteria: GeneDx Variant Classification Process June 2021. Collection method: clinical testing. Allele origin: germline. Affected: yes.
Comment: Not observed at significant frequency in large population cohorts (gnomAD); In silico analysis indicates that this missense variant does not alter protein structure/function; Has not been previously published as pathogenic or benign to our knowledge

Color Diagnostics, LLC DBA Color Health
Classification: Uncertain significance for Hereditary cancer-predisposing syndrome. Last evaluated: 2024-02-26. Review status: criteria provided, single submitter. Criteria: ACMG Guidelines, 2015. Collection method: clinical testing. Allele origin: germline.
Comment: This missense variant replaces proline with histidine at codon 2158 of the APC protein. Computational prediction suggests that this variant may not impact protein structure and function (internally defined REVEL score threshold <= 0.5, PMID: 27666373). To our knowledge, functional studies have not been reported for this variant. This variant has not been reported in individuals affected with APC-related disorders in the literature. This variant has not been identified in the general population by the Genome Aggregation Database (gnomAD). The available evidence is insufficient to determine the role of this variant in disease conclusively. Therefore, this variant is classified as a Variant of Uncertain Significance.

Baylor Genetics
Classification: Uncertain significance for Familial adenomatous polyposis 1. Last evaluated: 2023-08-18. Review status: criteria provided, single submitter. Criteria: ACMG Guidelines, 2015. Collection method: clinical testing. Allele origin: unknown.

All of Us Research Program, National Institutes of Health
Classification: Uncertain significance for Classic or attenuated familial adenomatous polyposis. Last evaluated: 2023-08-15. Review status: criteria provided, single submitter. Criteria: ACMG Guidelines, 2015. Collection method: clinical testing. Allele origin: germline. Inheritance: Autosomal dominant inheritance. Observed: 3 variant alleles, 3 heterozygotes.
Comment: This missense variant replaces proline with histidine at codon 2158 of the APC protein. Computational prediction suggests that this variant may not impact protein structure and function (internally defined REVEL score threshold <= 0.5, PMID: 27666373). To our knowledge, functional studies have not been reported for this variant. This variant has not been reported in individuals affected with APC-related disorders in the literature. This variant has not been identified in the general population by the Genome Aggregation Database (gnomAD). The available evidence is insufficient to determine the role of this variant in disease conclusively. Therefore, this variant is classified as a Variant of Uncertain Significance.

This study involves interpretation of variants in research participants for the purpose of population health screening. Participant phenotype was not available at the time of variant classification. Additional details can be found in publication PMID: 35346344, PMCID: PMC8962531

Institute for Clinical Genetics, University Hospital TU Dresden, University Hospital TU Dresden
Classification: Uncertain significance. Last evaluated: 2021-11-03. Review status: criteria provided, single submitter. Criteria: ACMG Guidelines, 2015. Collection method: clinical testing. Allele origin: germline.

NM_000038.6(APC):c.6473C>A (p.Pro2158His)

Gene: APC (APC regulator of Wnt signaling pathway; plus strand). Cytogenetic location: 5q22.2.
Variant type: single nucleotide variant.
Coding change: c.6473C>A on transcript NM_000038.6 (MANE Select); coding-DNA position 6473, C replaced by A.
Protein change: p.Pro2158His; replaces proline 2158 with histidine.
Molecular consequence: missense variant.
Genome position (GRCh38, 1-based): chr5:112,842,067, C>A. VCF-style: chr5-112842067-C-A. GRCh37 (hg19) VCF-style: chr5-112177764-C-A.
Other names: c.6473C>A, p.Pro2158His (NM_001127510.3, NM_001354895.2); c.6419C>A, p.Pro2140His (NM_001127511.3); c.6527C>A, p.Pro2176His (NM_001354896.2); c.6503C>A, p.Pro2168His (NM_001354897.2); c.6398C>A, p.Pro2133His (NM_001354898.2); c.6389C>A, p.Pro2130His (NM_001354899.2); c.6350C>A, p.Pro2117His (NM_001354900.2); c.6296C>A, p.Pro2099His (NM_001354901.2); and 5 more; short protein forms P2140H, P2158H, P1875H, P2057H, P2117H, P2032H, P2130H, P1998H.
Identifiers: ClinVar variation 411393 (VCV000411393.25), dbSNP rs587779804, ClinGen allele CA16035498.